The following is an entry in ClinVar:

NM_001122630.2(CDKN1C):c.65T>G (p.Leu22Arg)

Gene: CDKN1C (cyclin dependent kinase inhibitor 1C; minus strand). Cytogenetic location: 11p15.4.
Variant type: single nucleotide variant.
Coding change: c.65T>G on transcript NM_001122630.2 (MANE Select); coding-DNA position 65, T replaced by G.
Protein change: p.Leu22Arg; replaces leucine 22 with arginine.
Molecular consequence: missense variant.
Genome position (GRCh38, 1-based): chr11:2,885,392, A>C on the plus strand (T>G on the coding strand, the complement: CDKN1C is on the minus strand). VCF-style: chr11-2885392-A-C. GRCh37 (hg19) VCF-style: chr11-2906622-A-C.
Other names: c.98T>G, p.Leu33Arg (NM_000076.2, NM_001362474.2); c.65T>G, p.Leu22Arg (NM_001122631.2, NM_001362475.2); short protein forms L22R, L33R.
Identifiers: ClinVar variation 2413106 (VCV002413106.4), dbSNP rs2494390718, ClinGen allele CA379147779.

ClinVar aggregate classification (germline): Uncertain significance (1 of 4 stars; one submission).

Submission:

GeneDx
Classification: Uncertain significance. Last evaluated: 2025-09-24. Review status: criteria provided, single submitter. Criteria: GeneDx Variant Classification Process June 2021. Collection method: clinical testing. Allele origin: germline.
Comment: Reported as a maternally inherited variant in a patient with a clinical diagnosis of Beckwith-Wiedemann syndrome (PMID: 11106355); Not observed at significant frequency in large population cohorts (gnomAD); In silico analysis supports that this missense variant has a deleterious effect on protein structure/function; This variant is associated with the following publications: (PMID: 20503313, 11106355)